The following is an entry in ClinVar:

NM_001103.4(ACTN2):c.1439A>G (p.Asn480Ser)

Gene: ACTN2 (actinin alpha 2; plus strand). Cytogenetic location: 1q43.
Variant type: single nucleotide variant.
Coding change: c.1439A>G on transcript NM_001103.4 (MANE Select); coding-DNA position 1439, A replaced by G.
Protein change: p.Asn480Ser; replaces asparagine 480 with serine.
Molecular consequence: missense variant.
Genome position (GRCh38, 1-based): chr1:236,747,699, A>G. VCF-style: chr1-236747699-A-G. GRCh37 (hg19) VCF-style: chr1-236910999-A-G.
Other names: c.1439A>G (NM_001103.2); c.1439A>G, p.Asn480Ser (NM_001278343.2); c.815A>G, p.Asn272Ser (NM_001278344.2); short protein forms N272S, N480S.
Identifiers: ClinVar variation 862689 (VCV000862689.13), dbSNP rs1197619498, ClinGen allele CA345383864.
Genomic context (GRCh38, chr1:236,747,699, plus strand): 5'-AATCTTTATTTATTTTCACTTTTAATAGTGAACTGGACTATCACGACGCTGTGAATGTCA[A>G]TGATCGGTGCCAGAAAATTTGTGACCAGTGGGACCGACTGGGAACGCTTACTCAGAAGAG-3'
Protein context (NP_001094.1, residues 470-490): ELDYHDAVNV[Asn480Ser]DRCQKICDQW

ClinVar aggregate classification (germline): Conflicting classifications of pathogenicity. Review status: criteria provided, conflicting classifications (1 of 4 stars). 5 submissions from 5 submitters: Uncertain significance (4); Likely benign (1). Last evaluated 2026-06-22.

Conditions:
Cardiovascular phenotype. Identifiers: MedGen CN230736.
Other rare neuromuscular disorders.
ACTN2-related disorder. Also called: ACTN2-related disorders; ACTN2 related condition.
Primary familial hypertrophic cardiomyopathy (HCM). Identifiers: Orphanet 99739, MedGen C0949658, MeSH D024741, MONDO:0024573. Inheritance: Various modes of inheritance.
Dilated cardiomyopathy 1AA (CMD1AA). Also called: CARDIOMYOPATHY, DILATED, 1AA, WITH OR WITHOUT LEFT VENTRICULAR NONCOMPACTION; CARDIOMYOPATHY, FAMILIAL HYPERTROPHIC, 23, WITH OR WITHOUT LEFT VENTRICULAR NONCOMPACTION; Cardiomyopathy, dilated, 1AA, with or without LVNC. Identifiers: Orphanet 154, MedGen C2677338, MONDO:0012808, OMIM 612158.

Allele frequency attached by ClinVar (database versions not stated): gnomAD exomes below 0.00001 and 0.00001; gnomAD 0.00001; TOPMed 0.00001.
gnomAD v4.1: 13 of 1,614,090 alleles (0.00081%); highest among the groups gnomAD compares: East Asian, 0.018%; no homozygotes.

Submissions (5):

PreventionGenetics, part of Exact Sciences
Classification: Uncertain significance for ACTN2-related condition. Last evaluated: 2026-06-22. Review status: criteria provided, single submitter. Criteria: ACMG Guidelines, 2015. Collection method: clinical testing. Allele origin: germline.
Comment: The ACTN2 c.1439A>G variant is predicted to result in the amino acid substitution p.Asn480Ser. This variant has been reported in the homozygous state in three unrelated families with late-onset core myopathy; however, multiple heterozygous family members in this study were apparently unaffected (Inoue et al. 2021. PubMed ID: 34471957). This variant has also been reported in an individual with dilated cardiomyopathy, although the zygosity was unclear (Table S2, Horgan et al. 2025. PubMed ID: 39694818). This variant is reported in 0.00088% of alleles in individuals of European (Non-Finnish) descent in gnomAD. At this time, the clinical significance of this variant is uncertain due to the absence of conclusive functional and genetic evidence.

NHS Central & South Genomic Laboratory Hub
Classification: Uncertain significance for Other rare neuromuscular disorders. Last evaluated: 2026-04-22. Review status: criteria provided, single submitter. Criteria: ACMG Guidelines, 2015. Collection method: clinical testing. Allele origin: germline. Affected: yes.

Labcorp Genetics (formerly Invitae), Labcorp
Classification: Likely benign for Primary familial hypertrophic cardiomyopathy; Dilated cardiomyopathy 1AA. Last evaluated: 2026-01-14. Review status: criteria provided, single submitter. Criteria: Invitae Variant Classification Sherloc (09022015). Collection method: clinical testing. Allele origin: germline.

Ambry Genetics
Classification: Uncertain significance for Cardiovascular phenotype. Last evaluated: 2023-07-21. Review status: criteria provided, single submitter. Criteria: Ambry Variant Classification Scheme 2023. Collection method: clinical testing. Allele origin: germline.
Comment: The p.N480S variant (also known as c.1439A>G), located in coding exon 13 of the ACTN2 gene, results from an A to G substitution at nucleotide position 1439. The asparagine at codon 480 is replaced by serine, an amino acid with highly similar properties. This variant has been detected in the homozygous state in unrelated probands with skeletal myopathy, while heterozygous relatives were unaffected (Inoue M et al. Acta Neuropathol, 2021 Oct;142:785-788). This amino acid position is highly conserved in available vertebrate species. In addition, this alteration is predicted to be tolerated by in silico analysis. Since supporting evidence is limited at this time, the clinical significance of this alteration remains unclear.

Blueprint Genetics
Classification: Uncertain significance. Last evaluated: 2022-09-27. Review status: criteria provided, single submitter. Criteria: ACMG Guidelines, 2015. Collection method: clinical testing. Allele origin: germline.

Literature cited by the submitters: PubMed 34471957 (cited by Ambry Genetics).